The following continues an entry in ClinVar:

NM_001099922.3(ALG13):c.183C>T (p.Tyr61=)

Gene: ALG13. ClinVar aggregate classification (germline): Benign. Benign (6).

Submissions 32 to 67 of 83:

Dr. Peter K. Rogan Lab, Western University
No classification provided (evidence only). Condition: Acute myeloid leukemia. Review status: no classification provided. Collection method: in vitro. Allele origin: not applicable. Functional consequence: retained intron. Not counted in ClinVar's aggregate classification.

Dr. Peter K. Rogan Lab, Western University
No classification provided (evidence only). Condition: Acute myeloid leukemia. Review status: no classification provided. Collection method: in vitro. Allele origin: not applicable. Functional consequence: retained intron. Not counted in ClinVar's aggregate classification.

Dr. Peter K. Rogan Lab, Western University
No classification provided (evidence only). Condition: Acute myeloid leukemia. Review status: no classification provided. Collection method: in vitro. Allele origin: not applicable. Functional consequence: retained intron. Not counted in ClinVar's aggregate classification.

Dr. Peter K. Rogan Lab, Western University
No classification provided (evidence only). Condition: Colon adenocarcinoma. Review status: no classification provided. Collection method: in vitro. Allele origin: not applicable. Functional consequence: retained intron. Not counted in ClinVar's aggregate classification.

Dr. Peter K. Rogan Lab, Western University
No classification provided (evidence only). Condition: Colorectal cancer. Review status: no classification provided. Collection method: in vitro. Allele origin: not applicable. Functional consequence: retained intron. Not counted in ClinVar's aggregate classification.

Dr. Peter K. Rogan Lab, Western University
No classification provided (evidence only). Condition: Thyroid cancer, nonmedullary, 1. Review status: no classification provided. Collection method: in vitro. Allele origin: not applicable. Functional consequence: retained intron. Not counted in ClinVar's aggregate classification.

Dr. Peter K. Rogan Lab, Western University
No classification provided (evidence only). Condition: Thyroid cancer, nonmedullary, 1. Review status: no classification provided. Collection method: in vitro. Allele origin: not applicable. Functional consequence: retained intron. Not counted in ClinVar's aggregate classification.

Dr. Peter K. Rogan Lab, Western University
No classification provided (evidence only). Condition: Uterine corpus endometrial carcinoma. Review status: no classification provided. Collection method: in vitro. Allele origin: not applicable. Functional consequence: retained intron. Not counted in ClinVar's aggregate classification.

Dr. Peter K. Rogan Lab, Western University
No classification provided (evidence only). Condition: Uterine corpus endometrial carcinoma. Review status: no classification provided. Collection method: in vitro. Allele origin: not applicable. Functional consequence: retained intron. Not counted in ClinVar's aggregate classification.

Dr. Peter K. Rogan Lab, Western University
No classification provided (evidence only). Condition: Cervical cancer. Review status: no classification provided. Collection method: in vitro. Allele origin: not applicable. Functional consequence: retained intron. Not counted in ClinVar's aggregate classification.

Dr. Peter K. Rogan Lab, Western University
No classification provided (evidence only). Condition: Cervical cancer. Review status: no classification provided. Collection method: in vitro. Allele origin: not applicable. Functional consequence: retained intron. Not counted in ClinVar's aggregate classification.

Dr. Peter K. Rogan Lab, Western University
No classification provided (evidence only). Condition: Cervical cancer. Review status: no classification provided. Collection method: in vitro. Allele origin: not applicable. Functional consequence: retained intron. Not counted in ClinVar's aggregate classification.

Dr. Peter K. Rogan Lab, Western University
No classification provided (evidence only). Condition: Cervical cancer. Review status: no classification provided. Collection method: in vitro. Allele origin: not applicable. Functional consequence: retained intron. Not counted in ClinVar's aggregate classification.

Dr. Peter K. Rogan Lab, Western University
No classification provided (evidence only). Condition: Cervical cancer. Review status: no classification provided. Collection method: in vitro. Allele origin: not applicable. Functional consequence: retained intron. Not counted in ClinVar's aggregate classification.

Dr. Peter K. Rogan Lab, Western University
No classification provided (evidence only). Condition: Cervical cancer. Review status: no classification provided. Collection method: in vitro. Allele origin: not applicable. Functional consequence: retained intron. Not counted in ClinVar's aggregate classification.

Dr. Peter K. Rogan Lab, Western University
No classification provided (evidence only). Condition: Cervical cancer. Review status: no classification provided. Collection method: in vitro. Allele origin: not applicable. Functional consequence: retained intron. Not counted in ClinVar's aggregate classification.

Dr. Peter K. Rogan Lab, Western University
No classification provided (evidence only). Condition: Cervical cancer. Review status: no classification provided. Collection method: in vitro. Allele origin: not applicable. Functional consequence: retained intron. Not counted in ClinVar's aggregate classification.

Dr. Peter K. Rogan Lab, Western University
No classification provided (evidence only). Condition: Sarcoma. Review status: no classification provided. Collection method: in vitro. Allele origin: not applicable. Functional consequence: retained intron. Not counted in ClinVar's aggregate classification.

Dr. Peter K. Rogan Lab, Western University
No classification provided (evidence only). Condition: Hepatocellular carcinoma. Review status: no classification provided. Collection method: in vitro. Allele origin: not applicable. Functional consequence: retained intron. Not counted in ClinVar's aggregate classification.

Dr. Peter K. Rogan Lab, Western University
No classification provided (evidence only). Condition: Nonpapillary renal cell carcinoma. Review status: no classification provided. Collection method: in vitro. Allele origin: not applicable. Functional consequence: retained intron. Not counted in ClinVar's aggregate classification.

Dr. Peter K. Rogan Lab, Western University
No classification provided (evidence only). Condition: Nonpapillary renal cell carcinoma. Review status: no classification provided. Collection method: in vitro. Allele origin: not applicable. Functional consequence: retained intron. Not counted in ClinVar's aggregate classification.

Dr. Peter K. Rogan Lab, Western University
No classification provided (evidence only). Condition: Thymoma. Review status: no classification provided. Collection method: in vitro. Allele origin: not applicable. Functional consequence: retained intron. Not counted in ClinVar's aggregate classification.

Dr. Peter K. Rogan Lab, Western University
No classification provided (evidence only). Condition: Thymoma. Review status: no classification provided. Collection method: in vitro. Allele origin: not applicable. Functional consequence: retained intron. Not counted in ClinVar's aggregate classification.

Dr. Peter K. Rogan Lab, Western University
No classification provided (evidence only). Condition: Ovarian serous cystadenocarcinoma. Review status: no classification provided. Collection method: in vitro. Allele origin: not applicable. Functional consequence: retained intron. Not counted in ClinVar's aggregate classification.

Dr. Peter K. Rogan Lab, Western University
No classification provided (evidence only). Condition: Ovarian serous cystadenocarcinoma. Review status: no classification provided. Collection method: in vitro. Allele origin: not applicable. Functional consequence: retained intron. Not counted in ClinVar's aggregate classification.

Dr. Peter K. Rogan Lab, Western University
No classification provided (evidence only). Condition: Ovarian serous cystadenocarcinoma. Review status: no classification provided. Collection method: in vitro. Allele origin: not applicable. Functional consequence: retained intron. Not counted in ClinVar's aggregate classification.

Dr. Peter K. Rogan Lab, Western University
No classification provided (evidence only). Condition: Ovarian serous cystadenocarcinoma. Review status: no classification provided. Collection method: in vitro. Allele origin: not applicable. Functional consequence: retained intron. Not counted in ClinVar's aggregate classification.

Dr. Peter K. Rogan Lab, Western University
No classification provided (evidence only). Condition: Ovarian serous cystadenocarcinoma. Review status: no classification provided. Collection method: in vitro. Allele origin: not applicable. Functional consequence: retained intron. Not counted in ClinVar's aggregate classification.

Dr. Peter K. Rogan Lab, Western University
No classification provided (evidence only). Condition: Ovarian serous cystadenocarcinoma. Review status: no classification provided. Collection method: in vitro. Allele origin: not applicable. Functional consequence: retained intron. Not counted in ClinVar's aggregate classification.

Dr. Peter K. Rogan Lab, Western University
No classification provided (evidence only). Condition: Ovarian serous cystadenocarcinoma. Review status: no classification provided. Collection method: in vitro. Allele origin: not applicable. Functional consequence: retained intron. Not counted in ClinVar's aggregate classification.

Dr. Peter K. Rogan Lab, Western University
No classification provided (evidence only). Condition: Ovarian serous cystadenocarcinoma. Review status: no classification provided. Collection method: in vitro. Allele origin: not applicable. Functional consequence: retained intron. Not counted in ClinVar's aggregate classification.

Dr. Peter K. Rogan Lab, Western University
No classification provided (evidence only). Condition: Ovarian serous cystadenocarcinoma. Review status: no classification provided. Collection method: in vitro. Allele origin: not applicable. Functional consequence: retained intron. Not counted in ClinVar's aggregate classification.

Dr. Peter K. Rogan Lab, Western University
No classification provided (evidence only). Condition: Ovarian serous cystadenocarcinoma. Review status: no classification provided. Collection method: in vitro. Allele origin: not applicable. Functional consequence: retained intron. Not counted in ClinVar's aggregate classification.

Dr. Peter K. Rogan Lab, Western University
No classification provided (evidence only). Condition: Gastric cancer. Review status: no classification provided. Collection method: in vitro. Allele origin: not applicable. Functional consequence: retained intron. Not counted in ClinVar's aggregate classification.

Dr. Peter K. Rogan Lab, Western University
No classification provided (evidence only). Condition: Gastric cancer. Review status: no classification provided. Collection method: in vitro. Allele origin: not applicable. Functional consequence: retained intron. Not counted in ClinVar's aggregate classification.

Dr. Peter K. Rogan Lab, Western University
No classification provided (evidence only). Condition: Gastric cancer. Review status: no classification provided. Collection method: in vitro. Allele origin: not applicable. Functional consequence: retained intron. Not counted in ClinVar's aggregate classification.